The following is an entry in ClinVar:

ClinVar aggregate classification (germline): Likely pathogenic (1 of 4 stars; one submission).

Conditions:
Early-infantile DEE. Also called: Early infantile epileptic encephalopathy; Early infantile epileptic encephalopathy with suppression bursts; Ohtahara syndrome. Identifiers: Orphanet 1934, MedGen C0393706, MONDO:0800491.

Submission:

Labcorp Genetics (formerly Invitae), Labcorp
Classification: Likely pathogenic for Early-infantile DEE. Last evaluated: 2023-03-19. Review status: criteria provided, single submitter. Criteria: Invitae Variant Classification Sherloc (09022015). Collection method: clinical testing. Allele origin: germline.
Comment: In summary, the currently available evidence indicates that the variant is pathogenic, but additional data are needed to prove that conclusively. Therefore, this variant has been classified as Likely Pathogenic. This variant disrupts the p.Asn350 amino acid residue in KCNQ2. Other variant(s) that disrupt this residue have been determined to be pathogenic (PMID: 29215089, 30945278, 32712949). This suggests that this residue is clinically significant, and that variants that disrupt this residue are likely to be disease-causing. Advanced modeling of protein sequence and biophysical properties (such as structural, functional, and spatial information, amino acid conservation, physicochemical variation, residue mobility, and thermodynamic stability) performed at Invitae indicates that this missense variant is expected to disrupt KCNQ2 protein function. This variant has not been reported in the literature in individuals affected with KCNQ2-related conditions. This variant is not present in population databases (gnomAD no frequency). This sequence change replaces asparagine, which is neutral and polar, with tyrosine, which is neutral and polar, at codon 350 of the KCNQ2 protein (p.Asn350Tyr).

Literature cited by the submitters: PubMed 29215089; PubMed 30945278; PubMed 32712949.

NM_172107.4(KCNQ2):c.1048A>T (p.Asn350Tyr)

Gene: KCNQ2 (potassium voltage-gated channel subfamily Q member 2; minus strand). Cytogenetic location: 20q13.33.
Variant type: single nucleotide variant.
Coding change: c.1048A>T on transcript NM_172107.4 (MANE Select); coding-DNA position 1048, A replaced by T.
Protein change: p.Asn350Tyr; replaces asparagine 350 with tyrosine.
Molecular consequence: missense variant.
Genome position (GRCh38, 1-based): chr20:63,433,879, T>A on the plus strand (A>T on the coding strand, the complement: KCNQ2 is on the minus strand). VCF-style: chr20-63433879-T-A. GRCh37 (hg19) VCF-style: chr20-62065232-T-A.
Other names: c.1048A>T, p.Asn350Tyr (NM_001382235.1, NM_004518.6, NM_172106.3 and 2 more transcripts); short protein forms N350Y.
Identifiers: ClinVar variation 2847465 (VCV002847465.3), dbSNP rs2516364470, ClinGen allele CA409651218.